The following is an entry in ClinVar:

ClinVar aggregate classification (germline): Uncertain significance. Review status: criteria provided, multiple submitters, no conflicts (2 of 4 stars). 2 submissions from 2 submitters: Uncertain significance (2). Last evaluated 2025-10-27.

Conditions:
DICER1-related tumor predisposition. Also called: DICER1-related pleuropulmonary blastoma cancer predisposition syndrome; DICER1 syndrome. Identifiers: Orphanet 284343, MedGen C3839822, MONDO:0100216.
Hereditary cancer-predisposing syndrome. Also called: Tumor predisposition; Neoplastic Syndromes, Hereditary; Hereditary Cancer Syndrome; Hereditary neoplastic syndrome. Identifiers: Orphanet 140162, MedGen C0027672, MeSH D009386, MONDO:0015356.

Allele frequency attached by ClinVar (database versions not stated): gnomAD exomes below 0.00001 and 0.00001; TOPMed below 0.00001.
gnomAD v4.1: 2 of 1,613,988 alleles (0.00012%); highest among the groups gnomAD compares: Non-Finnish European, 0.00017%; no homozygotes.

Submissions (2):

Ambry Genetics
Classification: Uncertain significance for Hereditary cancer-predisposing syndrome. Last evaluated: 2025-10-27. Review status: criteria provided, single submitter. Criteria: Ambry Variant Classification Scheme 2023. Collection method: clinical testing. Allele origin: germline.
Comment: The p.I561T variant (also known as c.1682T>C), located in coding exon 9 of the DICER1 gene, results from a T to C substitution at nucleotide position 1682. The isoleucine at codon 561 is replaced by threonine, an amino acid with similar properties. This amino acid position is not well conserved in available vertebrate species. In addition, the in silico prediction for this alteration is inconclusive. Based on the available evidence, the clinical significance of this variant remains unclear.

Labcorp Genetics (formerly Invitae), Labcorp
Classification: Uncertain significance for DICER1-related tumor predisposition. Last evaluated: 2025-10-18. Review status: criteria provided, single submitter. Criteria: Invitae Variant Classification Sherloc (09022015). Collection method: clinical testing. Allele origin: germline.
Comment: This sequence change replaces isoleucine, which is neutral and non-polar, with threonine, which is neutral and polar, at codon 561 of the DICER1 protein (p.Ile561Thr). This variant is present in population databases (no rsID available, gnomAD 0.0009%). This variant has not been reported in the literature in individuals affected with DICER1-related conditions. ClinVar contains an entry for this variant (Variation ID: 477051). Invitae Evidence Modeling of protein sequence and biophysical properties (such as structural, functional, and spatial information, amino acid conservation, physicochemical variation, residue mobility, and thermodynamic stability) indicates that this missense variant is not expected to disrupt DICER1 protein function with a negative predictive value of 95%. In summary, the available evidence is currently insufficient to determine the role of this variant in disease. Therefore, it has been classified as a Variant of Uncertain Significance.

NM_177438.3(DICER1):c.1682T>C (p.Ile561Thr)

Gene: DICER1 (dicer 1, ribonuclease III; minus strand). Cytogenetic location: 14q32.13.
Variant type: single nucleotide variant.
Coding change: c.1682T>C on transcript NM_177438.3 (MANE Select); coding-DNA position 1682, T replaced by C.
Protein change: p.Ile561Thr; replaces isoleucine 561 with threonine.
Molecular consequence: missense variant.
Genome position (GRCh38, 1-based): chr14:95,116,523, A>G on the plus strand (T>C on the coding strand, the complement: DICER1 is on the minus strand). VCF-style: chr14-95116523-A-G. GRCh37 (hg19) VCF-style: chr14-95582860-A-G.
Other names: c.1682T>C, p.Ile561Thr (NM_001195573.1, NM_001271282.3, NM_001291628.2 and 1 more transcripts); short protein forms I561T.
Identifiers: ClinVar variation 477051 (VCV000477051.13), dbSNP rs1383145692, ClinGen allele CA390884806.
Genomic context (GRCh38, chr14:95,116,523, plus strand): 5'-GCTTTGTAGGTTTTAAGGTCTTCTTCAAAACTTTTTATTTTGTCTGTATCCGCTAACATT[A>G]TATAATTAGAGATGGGTGCCCTTGCTCTTCCTTTAGATTGAACATAGGATCGATATTCTG-3'
Protein context (NP_803187.1, residues 551-571): GRARAPISNY[Ile561Thr]MLADTDKIKS